The following is an entry in ClinVar:

ClinVar aggregate classification (germline): Uncertain significance (1 of 4 stars; one submission).

Conditions:
Gastrointestinal stromal tumor. Also called: Gastrointestinal stromal tumor, somatic; Gastrointestinal stroma tumor. Identifiers: Orphanet 44890, MedGen C0238198, MeSH D046152, MONDO:0011719, OMIM 606764, HP:0100723.

Submission:

Labcorp Genetics (formerly Invitae), Labcorp
Classification: Uncertain significance for Gastrointestinal stromal tumor. Last evaluated: 2025-02-19. Review status: criteria provided, single submitter. Criteria: Invitae Variant Classification Sherloc (09022015). Collection method: clinical testing. Allele origin: germline.
Comment: This sequence change affects codon 16 of the PDGFRA mRNA. It is a 'silent' change, meaning that it does not change the encoded amino acid sequence of the PDGFRA protein. This variant is not present in population databases (gnomAD no frequency). This variant has not been reported in the literature in individuals affected with PDGFRA-related conditions. ClinVar contains an entry for this variant (Variation ID: 859981). Algorithms developed to predict the effect of sequence changes on RNA splicing suggest that this variant may disrupt the consensus splice site. In summary, the available evidence is currently insufficient to determine the role of this variant in disease. Therefore, it has been classified as a Variant of Uncertain Significance.

NM_006206.6(PDGFRA):c.48A>G (p.Thr16=)

Gene: PDGFRA (platelet derived growth factor receptor alpha; plus strand). Cytogenetic location: 4q12.
Variant type: single nucleotide variant.
Coding change: c.48A>G on transcript NM_006206.6 (MANE Select); coding-DNA position 48, A replaced by G.
Protein change: p.Thr16=; no amino-acid change (threonine 16 retained).
Molecular consequence: synonymous variant.
Genome position (GRCh38, 1-based): chr4:54,258,816, A>G. VCF-style: chr4-54258816-A-G. GRCh37 (hg19) VCF-style: chr4-55124983-A-G.
Other names: c.48A>G, p.Thr16= (NM_001347827.2, NM_001347829.2); c.123A>G, p.Thr41= (NM_001347828.2); c.87A>G, p.Thr29= (NM_001347830.2).
Identifiers: ClinVar variation 859981 (VCV000859981.10), dbSNP rs1722521191, ClinGen allele CA439285068.